The following is an entry in ClinVar:

ClinVar aggregate classification (germline): Uncertain significance (1 of 4 stars; one submission).

Conditions:
Gastrointestinal stromal tumor. Also called: Gastrointestinal stromal tumor, somatic; Gastrointestinal stroma tumor. Identifiers: Orphanet 44890, MedGen C0238198, MeSH D046152, MONDO:0011719, OMIM 606764, HP:0100723.

Allele frequency attached by ClinVar (database versions not stated): TOPMed 0.00001.

Submission:

Labcorp Genetics (formerly Invitae), Labcorp
Classification: Uncertain significance for Gastrointestinal stromal tumor. Last evaluated: 2023-03-04. Review status: criteria provided, single submitter. Criteria: Invitae Variant Classification Sherloc (09022015). Collection method: clinical testing. Allele origin: germline.
Comment: In summary, the available evidence is currently insufficient to determine the role of this variant in disease. Therefore, it has been classified as a Variant of Uncertain Significance. Advanced modeling of protein sequence and biophysical properties (such as structural, functional, and spatial information, amino acid conservation, physicochemical variation, residue mobility, and thermodynamic stability) performed at Invitae indicates that this missense variant is not expected to disrupt PDGFRA protein function. ClinVar contains an entry for this variant (Variation ID: 576004). This variant has not been reported in the literature in individuals affected with PDGFRA-related conditions. This variant is not present in population databases (gnomAD no frequency). This sequence change replaces asparagine, which is neutral and polar, with serine, which is neutral and polar, at codon 163 of the PDGFRA protein (p.Asn163Ser).

NM_006206.6(PDGFRA):c.488A>G (p.Asn163Ser)

Gene: PDGFRA (platelet derived growth factor receptor alpha; plus strand). Cytogenetic location: 4q12.
Variant type: single nucleotide variant.
Coding change: c.488A>G on transcript NM_006206.6 (MANE Select); coding-DNA position 488, A replaced by G.
Protein change: p.Asn163Ser; replaces asparagine 163 with serine.
Molecular consequence: missense variant.
Genome position (GRCh38, 1-based): chr4:54,263,787, A>G. VCF-style: chr4-54263787-A-G. GRCh37 (hg19) VCF-style: chr4-55129954-A-G.
Other names: c.488A>G, p.Asn163Ser (NM_001347827.2, NM_001347829.2); c.563A>G, p.Asn188Ser (NM_001347828.2); c.527A>G, p.Asn176Ser (NM_001347830.2); short protein forms N163S, N188S, N176S.
Identifiers: ClinVar variation 576004 (VCV000576004.7), dbSNP rs1360565030, ClinGen allele CA356889931.